The following is an entry in ClinVar:

NM_000228.3(LAMB3):c.1819G>A (p.Ala607Thr)

Gene: LAMB3 (laminin subunit beta 3; minus strand). Cytogenetic location: 1q32.2.
Variant type: single nucleotide variant.
Coding change: c.1819G>A on transcript NM_000228.3 (MANE Select); coding-DNA position 1819, G replaced by A.
Protein change: p.Ala607Thr; replaces alanine 607 with threonine.
Molecular consequence: missense variant.
Genome position (GRCh38, 1-based): chr1:209,625,805, C>T on the plus strand (G>A on the coding strand, the complement: LAMB3 is on the minus strand). VCF-style: chr1-209625805-C-T. GRCh37 (hg19) VCF-style: chr1-209799150-C-T.
Other names: c.1819G>A, p.Ala607Thr (NM_001017402.2, NM_001127641.1); short protein forms A607T.
Identifiers: ClinVar variation 3353225 (VCV003353225.1).

ClinVar aggregate classification (germline): Uncertain significance (0 of 4 stars; one submission).

Conditions:
LAMB3-related disorder. Also called: LAMB3-related condition.

gnomAD v4.1: 116 of 1,614,004 alleles (0.0072%); highest among the groups gnomAD compares: African/African-American, 0.1%; no homozygotes.

Submission:

PreventionGenetics, part of Exact Sciences
Classification: Uncertain significance for LAMB3-related condition. Last evaluated: 2024-08-04. Review status: no assertion criteria provided. Collection method: clinical testing. Allele origin: germline.
Comment: The LAMB3 c.1819G>A variant is predicted to result in the amino acid substitution p.Ala607Thr. To our knowledge, this variant has not been reported in the literature. This variant is reported in 0.10% of alleles in individuals of African descent in gnomAD, which is likely too common for an undocumented disease-causing variant. Although we suspect that this variant may be benign, at this time, the clinical significance of this variant is uncertain due to the absence of conclusive functional and genetic evidence.